The following is an entry in ClinVar:

ClinVar aggregate classification (germline): Likely benign (0 of 4 stars; one submission).

Conditions:
DNAAF5-related disorder. Also called: DNAAF5-related condition.

Allele frequency attached by ClinVar (database versions not stated): gnomAD exomes below 0.00001; ExAC 0.00001; gnomAD 0.00003; TOPMed 0.00003; ESP Exome Variant Server 0.00008.

Submission:

PreventionGenetics, part of Exact Sciences
Classification: Likely benign for DNAAF5-related condition. Last evaluated: 2019-02-22. Review status: no assertion criteria provided. Collection method: clinical testing. Allele origin: germline.
Comment: This variant is classified as likely benign based on ACMG/AMP sequence variant interpretation guidelines (Richards et al. 2015 PMID: 25741868, with internal and published modifications).

NM_017802.4(DNAAF5):c.1122G>A (p.Gly374=)

Gene: DNAAF5 (dynein axonemal assembly factor 5; plus strand). Cytogenetic location: 7p22.3.
Variant type: single nucleotide variant.
Coding change: c.1122G>A on transcript NM_017802.4 (MANE Select); coding-DNA position 1122, G replaced by A.
Protein change: p.Gly374=; no amino-acid change (glycine 374 retained).
Molecular consequence: synonymous variant. On other transcripts: non-coding transcript variant (1).
Genome position (GRCh38, 1-based): chr7:754,686, G>A. VCF-style: chr7-754686-G-A. GRCh37 (hg19) VCF-style: chr7-794323-G-A.
Identifiers: ClinVar variation 3047583 (VCV003047583.2), dbSNP rs369797616, ClinGen allele CA4110602.